The following is an entry in ClinVar:

ClinVar aggregate classification (germline): Uncertain significance (1 of 4 stars; one submission).

gnomAD v4.1: 2 of 1,208,770 alleles (0.00017%); highest among the groups gnomAD compares: African/African-American, 0.0018%; no homozygotes.

Submission:

Labcorp Genetics (formerly Invitae), Labcorp
Classification: Uncertain significance. Last evaluated: 2024-10-06. Review status: criteria provided, single submitter. Criteria: Invitae Variant Classification Sherloc (09022015). Collection method: clinical testing. Allele origin: germline.
Comment: This sequence change replaces glycine, which is neutral and non-polar, with glutamic acid, which is acidic and polar, at codon 1587 of the BRWD3 protein (p.Gly1587Glu). This variant is present in population databases (rs745616086, gnomAD 0.001%). This variant has not been reported in the literature in individuals affected with BRWD3-related conditions. Invitae Evidence Modeling of protein sequence and biophysical properties (such as structural, functional, and spatial information, amino acid conservation, physicochemical variation, residue mobility, and thermodynamic stability) indicates that this missense variant is not expected to disrupt BRWD3 protein function with a negative predictive value of 80%. In summary, the available evidence is currently insufficient to determine the role of this variant in disease. Therefore, it has been classified as a Variant of Uncertain Significance.

NM_153252.5(BRWD3):c.4760G>A (p.Gly1587Glu)

Gene: BRWD3 (bromodomain and WD repeat domain containing 3; minus strand). Cytogenetic location: Xq21.1.
Variant type: single nucleotide variant.
Coding change: c.4760G>A on transcript NM_153252.5 (MANE Select); coding-DNA position 4760, G replaced by A.
Protein change: p.Gly1587Glu; replaces glycine 1587 with glutamic acid.
Molecular consequence: missense variant.
Genome position (GRCh38, 1-based): chrX:80,677,258, C>T on the plus strand (G>A on the coding strand, the complement: BRWD3 is on the minus strand). VCF-style: chrX-80677258-C-T. GRCh37 (hg19) VCF-style: chrX-79932757-C-T.
Other names: short protein forms G1587E.
Identifiers: ClinVar variation 3711078 (VCV003711078.2).